The following is an entry in ClinVar:

NM_001605.3(AARS1):c.2286+9G>A

Gene: AARS1 (alanyl-tRNA synthetase 1; minus strand). Cytogenetic location: 16q22.1.
Variant type: single nucleotide variant.
Coding change: c.2286+9G>A on transcript NM_001605.3 (MANE Select); 9 bases into the intron after coding-DNA position 2286, G replaced by A.
Molecular consequence: intron variant.
Genome position (GRCh38, 1-based): chr16:70,255,719, C>T on the plus strand (G>A on the coding strand, the complement: AARS1 is on the minus strand). VCF-style: chr16-70255719-C-T. GRCh37 (hg19) VCF-style: chr16-70289622-C-T.
Identifiers: ClinVar variation 1996031 (VCV001996031.4), dbSNP rs562701476, ClinGen allele CA8140493.

ClinVar aggregate classification (germline): Uncertain significance (1 of 4 stars; one submission).

Conditions:
Charcot-Marie-Tooth disease type 2. Also called: Charcot-Marie-Tooth type 2. Identifiers: Orphanet 64746, MedGen C0270914, MONDO:0018993.

Allele frequency attached by ClinVar (database versions not stated): 1000 Genomes Project 0.00020; 1000 Genomes Project 30x 0.00031; gnomAD exomes below 0.00001; gnomAD 0.00001; ExAC 0.00002.
gnomAD v4.1: 3 of 1,613,726 alleles (0.00019%); highest among the groups gnomAD compares: Admixed American, 0.0017%; no homozygotes.

Submission:

Labcorp Genetics (formerly Invitae), Labcorp
Classification: Uncertain significance for Charcot-Marie-Tooth disease type 2. Last evaluated: 2022-05-18. Review status: criteria provided, single submitter. Criteria: Invitae Variant Classification Sherloc (09022015). Collection method: clinical testing. Allele origin: germline.
Comment: This sequence change falls in intron 16 of the AARS gene. It does not directly change the encoded amino acid sequence of the AARS protein. This variant is present in population databases (rs562701476, gnomAD 0.007%). This variant has not been reported in the literature in individuals affected with AARS-related conditions. Algorithms developed to predict the effect of sequence changes on RNA splicing suggest that this variant may disrupt the consensus splice site. In summary, the available evidence is currently insufficient to determine the role of this variant in disease. Therefore, it has been classified as a Variant of Uncertain Significance.